The following is an entry in ClinVar:

NM_016492.5(RANGRF):c.179G>A (p.Gly60Asp)

Genes: RANGRF (RAN guanine nucleotide release factor; plus strand), SLC25A35 (solute carrier family 25 member 35; minus strand). Cytogenetic location: 17p13.1.
Variant type: single nucleotide variant.
Coding change: c.179G>A on transcript NM_016492.5 (MANE Select); coding-DNA position 179, G replaced by A.
Protein change: p.Gly60Asp; replaces glycine 60 with aspartic acid.
Molecular consequence: missense variant. On other transcripts: 3 prime UTR variant (2), non-coding transcript variant (2), intron variant (1).
Genome position (GRCh38, 1-based): chr17:8,289,057, G>A. VCF-style: chr17-8289057-G-A. GRCh37 (hg19) VCF-style: chr17-8192375-G-A.
Other names: c.179G>A, p.Gly60Asp (NM_001177801.2, NM_001177802.2, NM_001330127.2); c.*426C>T (NM_001320872.2); c.*559C>T (NM_201520.3); c.*42+517C>T (NM_001320871.2); short protein forms G60D.
Identifiers: ClinVar variation 2047768 (VCV002047768.3), dbSNP rs1990264812, ClinGen allele CA397994404.
Genomic context (GRCh38, chr17:8,289,057, plus strand): 5'-ATCCCGTGACGGACCAGAGCCTGATAGTGGAACTTCTCGAGCTGCAGGCCCACGTACGGG[G>A]CGAAGCGGCTGCGCGGTGAGGGAATGGCCCCCGGCTGGCCAATGGCAGGGGCGGGGTCGG-3'
Protein context (NP_057576.2, residues 50-70): ELLELQAHVR[Gly60Asp]EAAARYHFED

ClinVar aggregate classification (germline): Uncertain significance (1 of 4 stars; one submission).

Conditions:
Cardiac arrhythmia. Also called: Arrhythmia; Cardiac rhythm disease. Identifiers: MedGen C0003811, MONDO:0007263, HP:0011675.

Allele frequency attached by ClinVar (database versions not stated): TOPMed below 0.00001.

Submission:

Labcorp Genetics (formerly Invitae), Labcorp
Classification: Uncertain significance for Cardiac arrhythmia. Last evaluated: 2024-11-16. Review status: criteria provided, single submitter. Criteria: Invitae Variant Classification Sherloc (09022015). Collection method: clinical testing. Allele origin: germline.
Comment: This sequence change replaces glycine, which is neutral and non-polar, with aspartic acid, which is acidic and polar, at codon 60 of the RANGRF protein (p.Gly60Asp). This variant is not present in population databases (gnomAD no frequency). This variant has not been reported in the literature in individuals affected with RANGRF-related conditions. ClinVar contains an entry for this variant (Variation ID: 2047768). An algorithm developed to predict the effect of missense changes on protein structure and function (PolyPhen-2) suggests that this variant is likely to be disruptive. In summary, the available evidence is currently insufficient to determine the role of this variant in disease. Therefore, it has been classified as a Variant of Uncertain Significance.